The following is an entry in ClinVar:

ClinVar aggregate classification (germline): Likely benign (1 of 4 stars; one submission).

Submission:

CeGaT Center for Human Genetics Tuebingen
Classification: Likely benign. Last evaluated: 2025-01-01. Review status: criteria provided, single submitter. Criteria: CeGaT Center For Human Genetics Tuebingen Variant Classification Criteria Version 2. Collection method: clinical testing. Allele origin: germline. Affected: yes. Observed: 1 variant allele.
Comment: ARHGAP30: PM2:Supporting, BP4, BP7

NM_001025598.2(ARHGAP30):c.531G>T (p.Leu177=)

Gene: ARHGAP30 (Rho GTPase activating protein 30; minus strand). Cytogenetic location: 1q23.3.
Variant type: single nucleotide variant.
Coding change: c.531G>T on transcript NM_001025598.2 (MANE Select); coding-DNA position 531, G replaced by T.
Protein change: p.Leu177=; no amino-acid change (leucine 177 retained).
Molecular consequence: synonymous variant. On other transcripts: intron variant (1).
Genome position (GRCh38, 1-based): chr1:161,054,371, C>A on the plus strand (G>T on the coding strand, the complement: ARHGAP30 is on the minus strand). VCF-style: chr1-161054371-C-A. GRCh37 (hg19) VCF-style: chr1-161024161-C-A.
Other names: c.87G>T, p.Leu29= (NM_001287600.2); c.531G>T, p.Leu177= (NM_181720.3); c.6-986G>T (NM_001287602.2).
Identifiers: ClinVar variation 3770977 (VCV003770977.13).